The following is an entry in ClinVar:

NM_033310.3(KCNK4):c.898G>T (p.Glu300Ter)

Genes: KCNK4 (potassium two pore domain channel subfamily K member 4; plus strand), KCNK4-CATSPERZ (KCNK4-CATSPERZ readthrough (NMD candidate); plus strand). Cytogenetic location: 11q13.1.
Variant type: single nucleotide variant.
Coding change: c.898G>T on transcript NM_033310.3 (MANE Select); coding-DNA position 898, G replaced by T.
Protein change: p.Glu300Ter; replaces glutamic acid 300 with a stop codon.
Molecular consequence: nonsense. On other transcripts: non-coding transcript variant (3).
Genome position (GRCh38, 1-based): chr11:64,299,442, G>T. VCF-style: chr11-64299442-G-T. GRCh37 (hg19) VCF-style: chr11-64066914-G-T.
Other names: c.898G>T, p.Glu300Ter (NM_001317090.2); short protein forms E300*.
Identifiers: ClinVar variation 3369302 (VCV003369302.1).

ClinVar aggregate classification (germline): Uncertain significance (1 of 4 stars; one submission).

Submission:

GeneDx
Classification: Uncertain significance. Last evaluated: 2024-02-18. Review status: criteria provided, single submitter. Criteria: GeneDx Variant Classification Process June 2021. Collection method: clinical testing. Allele origin: germline. Affected: yes.
Comment: Not observed at significant frequency in large population cohorts (gnomAD); Has not been previously published as pathogenic or benign to our knowledge; Nonsense variant predicted to result in protein truncation as the last 94 amino acids are lost in a gene for which loss-of-function is not an established mechanism of disease